The following is an entry in ClinVar:

NM_001365951.3(KIF1B):c.400T>C (p.Cys134Arg)

Genes: KIF1B (kinesin family member 1B; plus strand), LOC129388447 (MPRA-validated peak65 silencer; plus strand). Cytogenetic location: 1p36.22.
Variant type: single nucleotide variant.
Coding change: c.400T>C on transcript NM_001365951.3 (MANE Select); coding-DNA position 400, T replaced by C.
Protein change: p.Cys134Arg; replaces cysteine 134 with arginine.
Molecular consequence: missense variant.
Genome position (GRCh38, 1-based): chr1:10,261,941, T>C. VCF-style: chr1-10261941-T-C. GRCh37 (hg19) VCF-style: chr1-10321999-T-C.
Other names: c.400T>C, p.Cys134Arg (NM_001365952.1, NM_001365953.1, NM_015074.3 and 1 more transcripts); short protein forms C134R.
Identifiers: ClinVar variation 2762792 (VCV002762792.3), dbSNP rs2520967518, ClinGen allele CA338327051.

ClinVar aggregate classification (germline): Uncertain significance (1 of 4 stars; one submission).

Conditions:
Charcot-Marie-Tooth disease type 2. Also called: Charcot-Marie-Tooth type 2. Identifiers: Orphanet 64746, MedGen C0270914, MONDO:0018993.

Allele frequency attached by ClinVar (database versions not stated): gnomAD exomes below 0.00001.
gnomAD v4.1: 1 of 1,612,180 alleles (0.000062%); highest among the groups gnomAD compares: South Asian, 0.0011%; no homozygotes.

Submission:

Labcorp Genetics (formerly Invitae), Labcorp
Classification: Uncertain significance for Charcot-Marie-Tooth disease type 2. Last evaluated: 2023-09-04. Review status: criteria provided, single submitter. Criteria: Invitae Variant Classification Sherloc (09022015). Collection method: clinical testing. Allele origin: germline.
Comment: In summary, the available evidence is currently insufficient to determine the role of this variant in disease. Therefore, it has been classified as a Variant of Uncertain Significance. An algorithm developed to predict the effect of missense changes on protein structure and function (PolyPhen-2) suggests that this variant is likely to be tolerated. This variant has not been reported in the literature in individuals affected with KIF1B-related conditions. This variant is not present in population databases (gnomAD no frequency). This sequence change replaces cysteine, which is neutral and slightly polar, with arginine, which is basic and polar, at codon 134 of the KIF1B protein (p.Cys134Arg).